The following is an entry in ClinVar:

ClinVar aggregate classification (germline): Uncertain significance (1 of 4 stars; one submission).

Submission:

GeneDx
Classification: Uncertain significance. Last evaluated: 2024-09-04. Review status: criteria provided, single submitter. Criteria: GeneDx Variant Classification Process June 2021. Collection method: clinical testing. Allele origin: germline. Affected: yes.
Comment: Not observed at significant frequency in large population cohorts (gnomAD); In silico analysis supports that this variant has a deleterious effect on splicing; Has not been previously published as pathogenic or benign to our knowledge

NM_006129.5(BMP1):c.878A>G (p.Asn293Ser)

Gene: BMP1 (bone morphogenetic protein 1; plus strand). Cytogenetic location: 8p21.3.
Variant type: single nucleotide variant.
Coding change: c.878A>G on transcript NM_006129.5 (MANE Select); coding-DNA position 878, A replaced by G.
Protein change: p.Asn293Ser; replaces asparagine 293 with serine.
Molecular consequence: missense variant. On other transcripts: non-coding transcript variant (2).
Genome position (GRCh38, 1-based): chr8:22,179,746, A>G. VCF-style: chr8-22179746-A-G. GRCh37 (hg19) VCF-style: chr8-22037259-A-G.
Other names: c.878A>G, p.Asn293Ser (NM_001199.4); short protein forms N293S.
Identifiers: ClinVar variation 3767807 (VCV003767807.1).